The following is an entry in ClinVar:

ClinVar aggregate classification (germline): Conflicting classifications of pathogenicity. Review status: criteria provided, conflicting classifications (1 of 4 stars). 2 submissions from 2 submitters: Likely pathogenic (1); Uncertain significance (1). Last evaluated 2025-06-24.

Conditions:
3-methylglutaconic aciduria, type VIIB (MGCA7B). Also called: 3-methylglutaconic aciduria with cataracts, neurologic involvement and neutropenia; 3-methylglutaconic aciduria, type VII, with cataracts, neurologic involvement and neutropenia; CLPB Deficiency. Identifiers: Orphanet 445038, MedGen C5676893, MONDO:0014561, OMIM 616271.

Submissions (2):

Labcorp Genetics (formerly Invitae), Labcorp
Classification: Uncertain significance for 3-methylglutaconic aciduria, type VIIB. Last evaluated: 2025-06-24. Review status: criteria provided, single submitter. Criteria: Invitae Variant Classification Sherloc (09022015). Collection method: clinical testing. Allele origin: germline.
Comment: This sequence change replaces glycine, which is neutral and non-polar, with aspartic acid, which is acidic and polar, at codon 93 of the CLPB protein (p.Gly93Asp). This variant is not present in population databases (gnomAD no frequency). This variant has not been reported in the literature in individuals affected with CLPB-related conditions. ClinVar contains an entry for this variant (Variation ID: 2983435). An algorithm developed to predict the effect of missense changes on protein structure and function (PolyPhen-2) suggests that this variant is likely to be tolerated. In summary, the available evidence is currently insufficient to determine the role of this variant in disease. Therefore, it has been classified as a Variant of Uncertain Significance.

Laboratory of Genetics, Children's Clinical University Hospital Latvia
Classification: Likely pathogenic. Last evaluated: 2025-02-16. Review status: criteria provided, single submitter. Criteria: ACMG Guidelines, 2015. Collection method: clinical testing. Allele origin: germline. Affected: yes.

NM_001258392.3(CLPB):c.278G>A (p.Gly93Asp)

Genes: CLPB (ClpB family mitochondrial disaggregase; minus strand), LOC130006336 (ATAC-STARR-seq lymphoblastoid active region 5191; plus strand). Cytogenetic location: 11q13.4.
Variant type: single nucleotide variant.
Coding change: c.278G>A on transcript NM_001258392.3 (MANE Select); coding-DNA position 278, G replaced by A.
Protein change: p.Gly93Asp; replaces glycine 93 with aspartic acid.
Molecular consequence: missense variant. On other transcripts: nonsense (1).
Genome position (GRCh38, 1-based): chr11:72,434,197, C>T on the plus strand (G>A on the coding strand, the complement: CLPB is on the minus strand). VCF-style: chr11-72434197-C-T. GRCh37 (hg19) VCF-style: chr11-72145241-C-T.
Other names: c.278G>A, p.Gly93Asp (NM_001258393.3, NM_030813.6); c.36G>A, p.Trp12Ter (NM_001258394.3); short protein forms W12*, G93D.
Identifiers: ClinVar variation 2983435 (VCV002983435.4), dbSNP rs1333709479, ClinGen allele CA381963086.